The following is an entry in ClinVar:

NM_002637.4(PHKA1):c.1384G>A (p.Val462Met)

Gene: PHKA1 (phosphorylase kinase regulatory subunit alpha 1; minus strand). Cytogenetic location: Xq13.1.
Variant type: single nucleotide variant.
Coding change: c.1384G>A on transcript NM_002637.4 (MANE Select); coding-DNA position 1384, G replaced by A.
Protein change: p.Val462Met; replaces valine 462 with methionine.
Molecular consequence: missense variant.
Genome position (GRCh38, 1-based): chrX:72,644,437, C>T on the plus strand (G>A on the coding strand, the complement: PHKA1 is on the minus strand). VCF-style: chrX-72644437-C-T. GRCh37 (hg19) VCF-style: chrX-71864287-C-T.
Other names: c.1384G>A, p.Val462Met (NM_001122670.2, NM_001172436.2); short protein forms V462M.
Identifiers: ClinVar variation 1029464 (VCV001029464.7), dbSNP rs782400389, ClinGen allele CA10450874.

ClinVar aggregate classification (germline): Uncertain significance. Review status: criteria provided, multiple submitters, no conflicts (2 of 4 stars). 3 submissions from 3 submitters: Uncertain significance (3). Last evaluated 2025-09-29.

Conditions:
Glycogen storage disease IXd (GSD9D). Also called: Muscle Phosphorylase Kinase Deficiency; GSD IXd. Identifiers: Orphanet 715, MedGen C1845151, MONDO:0010362, OMIM 300559.
Inborn genetic diseases. Identifiers: MedGen C0950123, MeSH D030342.

Allele frequency attached by ClinVar (database versions not stated): gnomAD exomes below 0.00001 and 0.00001; ExAC 0.00001.
gnomAD v4.1: 5 of 1,206,981 alleles (0.00041%); highest among the groups gnomAD compares: South Asian, 0.0035%; no homozygotes.

Submissions (3):

Labcorp Genetics (formerly Invitae), Labcorp
Classification: Uncertain significance for Glycogen storage disease IXd. Last evaluated: 2025-09-29. Review status: criteria provided, single submitter. Criteria: Invitae Variant Classification Sherloc (09022015). Collection method: clinical testing. Allele origin: germline.
Comment: This sequence change replaces valine, which is neutral and non-polar, with methionine, which is neutral and non-polar, at codon 462 of the PHKA1 protein (p.Val462Met). The frequency data for this variant in the population databases is considered unreliable, as metrics indicate poor data quality at this position in the gnomAD database. This variant has not been reported in the literature in individuals affected with PHKA1-related conditions. ClinVar contains an entry for this variant (Variation ID: 1029464). Invitae Evidence Modeling of protein sequence and biophysical properties (such as structural, functional, and spatial information, amino acid conservation, physicochemical variation, residue mobility, and thermodynamic stability) indicates that this missense variant is expected to disrupt PHKA1 protein function with a positive predictive value of 80%. In summary, the available evidence is currently insufficient to determine the role of this variant in disease. Therefore, it has been classified as a Variant of Uncertain Significance.

Ambry Genetics
Classification: Uncertain significance for Inborn genetic diseases. Last evaluated: 2021-06-22. Review status: criteria provided, single submitter. Criteria: Ambry Variant Classification Scheme 2023. Collection method: clinical testing. Allele origin: germline.

Baylor Genetics
Classification: Uncertain significance for Glycogen storage disease IXd. Last evaluated: 2019-08-01. Review status: criteria provided, single submitter. Criteria: ACMG Guidelines, 2015. Collection method: clinical testing. Allele origin: unknown. Affected: yes.
Comment: This variant was determined to be of uncertain significance according to ACMG Guidelines, 2015 [PMID:25741868].